The following is an entry in ClinVar:

NM_005026.5(PIK3CD):c.364G>A (p.Gly122Ser)

Gene: PIK3CD (phosphatidylinositol-4,5-bisphosphate 3-kinase catalytic subunit delta; plus strand). Cytogenetic location: 1p36.22.
Variant type: single nucleotide variant.
Coding change: c.364G>A on transcript NM_005026.5 (MANE Select); coding-DNA position 364, G replaced by A.
Protein change: p.Gly122Ser; replaces glycine 122 with serine.
Molecular consequence: missense variant.
Genome position (GRCh38, 1-based): chr1:9,715,763, G>A. VCF-style: chr1-9715763-G-A. GRCh37 (hg19) VCF-style: chr1-9775821-G-A.
Other names: c.364G>A, p.Gly122Ser (NM_001350234.2, NM_001350235.1); short protein forms G122S.
Identifiers: ClinVar variation 2908038 (VCV002908038.3), dbSNP rs1026915695, ClinGen allele CA17774382.

ClinVar aggregate classification (germline): Uncertain significance (1 of 4 stars; one submission).

Conditions:
Immunodeficiency 14 (IMD14A). Also called: ACTIVATED PI3K-DELTA SYNDROME 1; p110-DELTA-ACTIVATING MUTATION CAUSING SENESCENT T CELLS, LYMPHADENOPATHY, AND IMMUNODEFICIENCY; Activated PI3K Delta Syndrome Type 1 (APDS1); IMMUNODEFICIENCY 14A WITH LYMPHOPROLIFERATION, AUTOSOMAL DOMINANT. Identifiers: Orphanet 397596, Orphanet 693661, MedGen C5907821, MONDO:0014222, OMIM 615513.

Allele frequency attached by ClinVar (database versions not stated): gnomAD 0.00001; TOPMed 0.00001; gnomAD exomes 0.00002.
gnomAD v4.1: 36 of 1,613,032 alleles (0.0022%); highest among the groups gnomAD compares: Non-Finnish European, 0.0028%; no homozygotes.

Submission:

Labcorp Genetics (formerly Invitae), Labcorp
Classification: Uncertain significance for Activated PI3K-delta syndrome. Last evaluated: 2024-02-14. Review status: criteria provided, single submitter. Criteria: Invitae Variant Classification Sherloc (09022015). Collection method: clinical testing. Allele origin: germline.
Comment: This sequence change replaces glycine, which is neutral and non-polar, with serine, which is neutral and polar, at codon 122 of the PIK3CD protein (p.Gly122Ser). This variant is present in population databases (no rsID available, gnomAD 0.006%). This variant has not been reported in the literature in individuals affected with PIK3CD-related conditions. Advanced modeling of protein sequence and biophysical properties (such as structural, functional, and spatial information, amino acid conservation, physicochemical variation, residue mobility, and thermodynamic stability) performed at Invitae indicates that this missense variant is not expected to disrupt PIK3CD protein function with a negative predictive value of 80%. In summary, the available evidence is currently insufficient to determine the role of this variant in disease. Therefore, it has been classified as a Variant of Uncertain Significance.